The following is an entry in ClinVar:

ClinVar aggregate classification (germline): Uncertain significance (1 of 4 stars; one submission).

Allele frequency attached by ClinVar (database versions not stated): gnomAD exomes below 0.00001; ExAC 0.00002; TOPMed 0.00002; gnomAD 0.00003 and 0.00004.
gnomAD v4.1: 8 of 1,588,246 alleles (0.0005%); highest among the groups gnomAD compares: African/African-American, 0.0067%; no homozygotes.

Submission:

Labcorp Genetics (formerly Invitae), Labcorp
Classification: Uncertain significance. Last evaluated: 2021-03-14. Review status: criteria provided, single submitter. Criteria: Invitae Variant Classification Sherloc (09022015). Collection method: clinical testing. Allele origin: germline.
Comment: This variant is present in population databases (rs781648855, ExAC 0.02%). This sequence change replaces aspartic acid with asparagine at codon 2702 of the SPEG protein (p.Asp2702Asn). The aspartic acid residue is highly conserved and there is a small physicochemical difference between aspartic acid and asparagine. In summary, the available evidence is currently insufficient to determine the role of this variant in disease. Therefore, it has been classified as a Variant of Uncertain Significance. Algorithms developed to predict the effect of missense changes on protein structure and function are either unavailable or do not agree on the potential impact of this missense change (SIFT: "Deleterious"; PolyPhen-2: "Probably Damaging"; Align-GVGD: "Class C0"). This variant has not been reported in the literature in individuals with SPEG-related conditions.

NM_005876.5(SPEG):c.8104G>A (p.Asp2702Asn)

Genes: ASIC4-AS1 (ASIC4 antisense RNA 1; minus strand), SPEG (striated muscle enriched protein kinase; plus strand). Cytogenetic location: 2q35.
Variant type: single nucleotide variant.
Coding change: c.8104G>A on transcript NM_005876.5 (MANE Select); coding-DNA position 8104, G replaced by A.
Protein change: p.Asp2702Asn; replaces aspartic acid 2702 with asparagine.
Molecular consequence: missense variant.
Genome position (GRCh38, 1-based): chr2:219,488,855, G>A. VCF-style: chr2-219488855-G-A. GRCh37 (hg19) VCF-style: chr2-220353577-G-A.
Other names: short protein forms D2702N.
Identifiers: ClinVar variation 1425176 (VCV001425176.8), dbSNP rs781648855, ClinGen allele CA2127391.